The following is an entry in ClinVar:

NM_031427.4(DNAL1):c.34G>A (p.Ala12Thr)

Gene: DNAL1 (dynein axonemal light chain 1; plus strand). Cytogenetic location: 14q24.3.
Variant type: single nucleotide variant.
Coding change: c.34G>A on transcript NM_031427.4 (MANE Select); coding-DNA position 34, G replaced by A.
Protein change: p.Ala12Thr; replaces alanine 12 with threonine.
Molecular consequence: missense variant. On other transcripts: 5 prime UTR variant (1).
Genome position (GRCh38, 1-based): chr14:73,654,877, G>A. VCF-style: chr14-73654877-G-A. GRCh37 (hg19) VCF-style: chr14-74121580-G-A.
Other names: c.-84G>A (NM_001201366.2); short protein forms A12T.
Identifiers: ClinVar variation 940642 (VCV000940642.7), dbSNP rs763932147, ClinGen allele CA7261399.
Genomic context (GRCh38, chr14:73,654,877, plus strand): 5'-TTCTTTTCTTTCTTTTTTTTTTTTTTAAAGGCGAAAGCAACAACAATCAAAGAAGCCTTA[G>A]CGAGATGGGTGAGTACATGAGTTTTTCCTTCTTTTAGAAACTGTACAAGGAAAAATTTTG-3'
Protein context (NP_113615.2, residues 2-22): AKATTIKEAL[Ala12Thr]RWEEKTGQRP

ClinVar aggregate classification (germline): Uncertain significance (1 of 4 stars; one submission).

Conditions:
Primary ciliary dyskinesia 16. Also called: CILIARY DYSKINESIA, PRIMARY, 16, WITH OR WITHOUT SITUS INVERSUS. Identifiers: Orphanet 244, MedGen C3151460, MONDO:0013525, OMIM 614017.

Allele frequency attached by ClinVar (database versions not stated): gnomAD 0.00001; TOPMed 0.00001; gnomAD exomes 0.00003 and 0.00006; ExAC 0.00009.
gnomAD v4.1: 84 of 1,539,322 alleles (0.0055%); highest among the groups gnomAD compares: Non-Finnish European, 0.0071%; no homozygotes.

Submission:

Labcorp Genetics (formerly Invitae), Labcorp
Classification: Uncertain significance for Primary ciliary dyskinesia 16. Last evaluated: 2022-08-13. Review status: criteria provided, single submitter. Criteria: Invitae Variant Classification Sherloc (09022015). Collection method: clinical testing. Allele origin: germline.
Comment: This sequence change replaces alanine, which is neutral and non-polar, with threonine, which is neutral and polar, at codon 12 of the DNAL1 protein (p.Ala12Thr). This variant is present in population databases (rs763932147, gnomAD 0.007%). This variant has not been reported in the literature in individuals affected with DNAL1-related conditions. ClinVar contains an entry for this variant (Variation ID: 940642). Algorithms developed to predict the effect of missense changes on protein structure and function are either unavailable or do not agree on the potential impact of this missense change (SIFT: "Deleterious"; PolyPhen-2: "Benign"; Align-GVGD: "Class C0"). In summary, the available evidence is currently insufficient to determine the role of this variant in disease. Therefore, it has been classified as a Variant of Uncertain Significance.